The following is an entry in ClinVar:

NM_000258.3(MYL3):c.394G>A (p.Asp132Asn)

Gene: MYL3 (myosin light chain 3; minus strand). Cytogenetic location: 3p21.31.
Variant type: single nucleotide variant.
Coding change: c.394G>A on transcript NM_000258.3 (MANE Select); coding-DNA position 394, G replaced by A.
Protein change: p.Asp132Asn; replaces aspartic acid 132 with asparagine.
Molecular consequence: missense variant.
Genome position (GRCh38, 1-based): chr3:46,859,562, C>T on the plus strand (G>A on the coding strand, the complement: MYL3 is on the minus strand). VCF-style: chr3-46859562-C-T. GRCh37 (hg19) VCF-style: chr3-46901052-C-T.
Other names: c.394G>A, p.Asp132Asn (NM_001406937.1, NM_001406938.1, NM_001406939.1); c.220G>A, p.Asp74Asn (NM_001406940.1, NM_001406941.1); short protein forms D132N, D74N.
Identifiers: ClinVar variation 3073480 (VCV003073480.1), dbSNP rs2544965203, ClinGen allele CA352496215.

ClinVar aggregate classification (germline): Uncertain significance (1 of 4 stars; one submission).

Conditions:
Hypertrophic cardiomyopathy. Also called: HYPERTROPHIC MYOCARDIOPATHY. Identifiers: Orphanet 217569, MedGen C0007194, MeSH D002312, MONDO:0005045, HP:0001639.

Submission:

All of Us Research Program, National Institutes of Health
Classification: Uncertain significance for Hypertrophic cardiomyopathy. Last evaluated: 2023-09-17. Review status: criteria provided, single submitter. Criteria: ACMG Guidelines, 2015. Collection method: clinical testing. Allele origin: germline. Inheritance: Autosomal dominant inheritance. Observed: 1 variant allele, 1 heterozygote.
Comment: This missense variant replaces aspartic acid with asparagine at codon 132 of the MYL3 protein. Computational prediction suggests that this variant may have deleterious impact on protein structure and function (internally defined REVEL score threshold >= 0.7, PMID: 27666373). To our knowledge, functional studies have not been reported for this variant. This variant has not been reported in individuals affected with MYL3-related disorders in the literature. This variant has not been identified in the general population by the Genome Aggregation Database (gnomAD). The available evidence is insufficient to determine the role of this variant in disease conclusively. Therefore, this variant is classified as a Variant of Uncertain Significance.

This study involves interpretation of variants in research participants for the purpose of population health screening. Participant phenotype was not available at the time of variant classification. Additional details can be found in publication PMID: 35346344, PMCID: PMC8962531